The following is an entry in ClinVar:

ClinVar aggregate classification (germline): Pathogenic. Review status: criteria provided, multiple submitters, no conflicts (2 of 4 stars). 2 submissions from 2 submitters: Pathogenic (2). Last evaluated 2019-09-08.

Conditions:
Ehlers-Danlos syndrome, classic type, 1 (EDSCL1). Also called: EHLERS-DANLOS SYNDROME, GRAVIS TYPE; EHLERS-DANLOS SYNDROME, SEVERE CLASSIC TYPE; EDS I; Ehlers-Danlos Syndrome, Classic Type, COL5A1-Related; Ehlers-Danlos syndrome, type 1. Identifiers: MedGen C0268335, MONDO:0019567, OMIM 130000.
Osteogenesis imperfecta type I (OI1). Also called: OI, TYPE I; OSTEOGENESIS IMPERFECTA TARDA; OSTEOGENESIS IMPERFECTA WITH BLUE SCLERAE; Classic Non-deforming Osteogenesis Imperfecta with Blue Sclerae; Lobstein disease; Osteogenesis imperfecta type 1. Identifiers: Orphanet 216796, Orphanet 666, MedGen C0023931, MONDO:0008146, OMIM 166200. Disease mechanism: loss of function.

Submissions (2):

Labcorp Genetics (formerly Invitae), Labcorp
Classification: Pathogenic for Osteogenesis imperfecta type I; Ehlers-Danlos syndrome, classic type, 1. Last evaluated: 2019-09-08. Review status: criteria provided, single submitter. Criteria: Invitae Variant Classification Sherloc (09022015). Collection method: clinical testing. Allele origin: germline.
Comment: For these reasons, this variant has been classified as Pathogenic. This variant disrupts the p.Gly319 amino acid residue in COL1A2. Other variant(s) that disrupt this residue have been observed in individuals with COL1A2-related conditions (PMID: 16786509), which suggests that this may be a clinically significant amino acid residue. Glycine residues within the Gly-Xaa-Yaa repeats of the triple helix domain are required for the structure and stability of fibrillar collagens (PMID: 7695699, 8218237, 19344236). In COL1A2, variants affecting these glycine residues are significantly enriched in individuals with disease (PMID: 9016532, 17078022) compared to the general population (ExAC). This variant has been observed to segregate with clinical features of osteogenesis imperfecta in a family (Invitae). ClinVar contains an entry for this variant (Variation ID: 447156). This variant is not present in population databases (ExAC no frequency). This sequence change replaces glycine with glutamic acid at codon 319 of the COL1A2 protein (p.Gly319Glu). The glycine residue is highly conserved and there is a moderate physicochemical difference between glycine and glutamic acid.

Athena Diagnostics
Classification: Pathogenic. Last evaluated: 2017-06-16. Review status: criteria provided, single submitter. Criteria: Athena Diagnostics Criteria. Collection method: clinical testing. Allele origin: germline.

Literature cited by the submitters: PubMed 16786509 (cited by Labcorp Genetics (formerly Invitae), Labcorp); PubMed 7695699 (cited by Labcorp Genetics (formerly Invitae), Labcorp); PubMed 8218237 (cited by Labcorp Genetics (formerly Invitae), Labcorp); PubMed 19344236 (cited by Labcorp Genetics (formerly Invitae), Labcorp); PubMed 9016532 (cited by Labcorp Genetics (formerly Invitae), Labcorp); PubMed 17078022 (cited by Labcorp Genetics (formerly Invitae), Labcorp).

NM_000089.4(COL1A2):c.956G>A (p.Gly319Glu)

Gene: COL1A2 (collagen type I alpha 2 chain; plus strand). Cytogenetic location: 7q21.3.
Variant type: single nucleotide variant.
Coding change: c.956G>A on transcript NM_000089.4 (MANE Select); coding-DNA position 956, G replaced by A.
Protein change: p.Gly319Glu; replaces glycine 319 with glutamic acid.
Molecular consequence: missense variant.
Genome position (GRCh38, 1-based): chr7:94,409,742, G>A. VCF-style: chr7-94409742-G-A. GRCh37 (hg19) VCF-style: chr7-94039054-G-A.
Other names: short protein forms G319E.
Identifiers: ClinVar variation 447156 (VCV000447156.12), dbSNP rs1554396083, ClinGen allele CA368220866.